The following is an entry in ClinVar:

NM_032444.4(SLX4):c.64G>T (p.Ala22Ser)

Gene: SLX4 (SLX4 structure-specific endonuclease subunit; minus strand). Cytogenetic location: 16p13.3.
Variant type: single nucleotide variant.
Coding change: c.64G>T on transcript NM_032444.4 (MANE Select); coding-DNA position 64, G replaced by T.
Protein change: p.Ala22Ser; replaces alanine 22 with serine.
Molecular consequence: missense variant.
Genome position (GRCh38, 1-based): chr16:3,608,901, C>A on the plus strand (G>T on the coding strand, the complement: SLX4 is on the minus strand). VCF-style: chr16-3608901-C-A. GRCh37 (hg19) VCF-style: chr16-3658902-C-A.
Other names: short protein forms A22S.
Identifiers: ClinVar variation 4720763 (VCV004720763.1).

ClinVar aggregate classification (germline): Uncertain significance (1 of 4 stars; one submission).

Conditions:
Fanconi anemia (FA). Also called: Fanconi's anemia. Identifiers: Orphanet 84, MedGen C0015625, MeSH D005199, MONDO:0019391.

Submission:

Labcorp Genetics (formerly Invitae), Labcorp
Classification: Uncertain significance for Fanconi anemia. Last evaluated: 2025-06-04. Review status: criteria provided, single submitter. Criteria: Invitae Variant Classification Sherloc (09022015). Collection method: clinical testing. Allele origin: germline.
Comment: This sequence change replaces alanine, which is neutral and non-polar, with serine, which is neutral and polar, at codon 22 of the SLX4 protein (p.Ala22Ser). This variant is not present in population databases (gnomAD no frequency). This variant has not been reported in the literature in individuals affected with SLX4-related conditions. An algorithm developed to predict the effect of missense changes on protein structure and function (PolyPhen-2) suggests that this variant is likely to be tolerated. In summary, the available evidence is currently insufficient to determine the role of this variant in disease. Therefore, it has been classified as a Variant of Uncertain Significance.